The following is an entry in ClinVar:

ClinVar aggregate classification (germline): Pathogenic (1 of 4 stars; one submission).

Submission:

Labcorp Genetics (formerly Invitae), Labcorp
Classification: Pathogenic. Last evaluated: 2022-06-24. Review status: criteria provided, single submitter. Criteria: Invitae Variant Classification Sherloc (09022015). Collection method: clinical testing. Allele origin: germline.
Comment: For these reasons, this variant has been classified as Pathogenic. Algorithms developed to predict the effect of sequence changes on RNA splicing suggest that this variant may disrupt the consensus splice site. This variant has not been reported in the literature in individuals affected with MYSM1-related conditions. This variant is not present in population databases (gnomAD no frequency). This sequence change creates a premature translational stop signal (p.Gln131*) in the MYSM1 gene. It is expected to result in an absent or disrupted protein product. Loss-of-function variants in MYSM1 are known to be pathogenic (PMID: 24288411, 28115216).

Literature cited by the submitters: PubMed 24288411; PubMed 28115216.

NM_001085487.3(MYSM1):c.391C>T (p.Gln131Ter)

Gene: MYSM1 (Myb like, SWIRM and MPN domains 1; minus strand). Cytogenetic location: 1p32.1.
Variant type: single nucleotide variant.
Coding change: c.391C>T on transcript NM_001085487.3 (MANE Select); coding-DNA position 391, C replaced by T.
Protein change: p.Gln131Ter; replaces glutamine 131 with a stop codon.
Molecular consequence: nonsense.
Genome position (GRCh38, 1-based): chr1:58,689,046, G>A on the plus strand (C>T on the coding strand, the complement: MYSM1 is on the minus strand). VCF-style: chr1-58689046-G-A. GRCh37 (hg19) VCF-style: chr1-59154718-G-A.
Other names: short protein forms Q131*.
Identifiers: ClinVar variation 2010146 (VCV002010146.4), dbSNP rs2524330840, ClinGen allele CA340532283.